The following is an entry in ClinVar:

ClinVar aggregate classification (germline): Pathogenic. Review status: criteria provided, single submitter (1 of 4 stars). 2 submissions from 2 submitters: Pathogenic (1). 1 of the submissions does not count toward it. Last evaluated 2023-11-27.

Conditions:
Usher syndrome type 2. Also called: Usher Syndrome Type II. Identifiers: Orphanet 231178, MedGen C0339534, MONDO:0016484.

Submissions (2):

Labcorp Genetics (formerly Invitae), Labcorp
Classification: Pathogenic. Last evaluated: 2023-11-27. Review status: criteria provided, single submitter. Criteria: Invitae Variant Classification Sherloc (09022015). Collection method: clinical testing. Allele origin: germline.
Comment: This sequence change creates a premature translational stop signal (p.Lys3201Ilefs*13) in the USH2A gene. It is expected to result in an absent or disrupted protein product. Loss-of-function variants in USH2A are known to be pathogenic (PMID: 10729113, 10909849, 20507924, 25649381). This variant is not present in population databases (gnomAD no frequency). This variant has not been reported in the literature in individuals affected with USH2A-related conditions. ClinVar contains an entry for this variant (Variation ID: 1415173). For these reasons, this variant has been classified as Pathogenic.

Ophthalmo-Genetics Lab, Instituto de Oftalmologia Conde de Valenciana
Classification: Pathogenic for Usher syndrome type 2. Last evaluated: 2022-11-14. Review status: no assertion criteria provided. Collection method: clinical testing. Allele origin: germline. Inheritance: Autosomal recessive inheritance. Affected: yes. Observed: 1 compound heterozygote. Not counted in ClinVar's aggregate classification.
Comment: Novel pathogenic variant. PVS1, PM2, PP5.

Literature cited by the submitters: PubMed 10729113 (cited by Labcorp Genetics (formerly Invitae), Labcorp); PubMed 10909849 (cited by Labcorp Genetics (formerly Invitae), Labcorp); PubMed 20507924 (cited by Labcorp Genetics (formerly Invitae), Labcorp); PubMed 25649381 (cited by Labcorp Genetics (formerly Invitae), Labcorp); PubMed 35076463 (cited by Ophthalmo-Genetics Lab, Instituto de Oftalmologia Conde de Valenciana).

NM_206933.4(USH2A):c.9602_9611del (p.Lys3201fs)

Gene: USH2A (usherin; minus strand). Cytogenetic location: 1q41.
Variant type: Deletion.
Coding change: c.9602_9611del on transcript NM_206933.4 (MANE Select); coding-DNA positions 9602 to 9611, 10 bases deleted (AGCCTGGACA; older notation c.9602_9611delAGCCTGGACA).
Protein change: p.Lys3201fs; shifts the reading frame from lysine 3201.
Molecular consequence: frameshift variant.
Genome position (GRCh38, 1-based): chr1:215,813,864-215,813,873, TGTCCAGGCT deleted on the plus strand (AGCCTGGACA on the coding strand, the reverse complement: USH2A is on the minus strand); deleting any 10 consecutive bases within chr1:215,813,864-215,813,875 gives the same sequence; the c. name uses the placement nearest the transcript's 3' end. VCF-style (leftmost placement, unchanged base first): chr1-215813863-ATGTCCAGGCT-A. GRCh37 (hg19) VCF-style: chr1-215987205-ATGTCCAGGCT-A.
Other names: short protein forms K3201fs.
Identifiers: ClinVar variation 1415173 (VCV001415173.7), dbSNP rs2102793202, ClinGen allele CA2573131597.